The following is an entry in ClinVar:

ClinVar aggregate classification (germline): Likely pathogenic (1 of 4 stars; one submission).

Conditions:
Familial thoracic aortic aneurysm and aortic dissection (TAAD). Also called: Thoracic aortic aneurysms and dissections. Identifiers: Orphanet 91387, MedGen C4707243, MONDO:0019625.

Submissions (2):

Labcorp Genetics (formerly Invitae), Labcorp
Classification: Likely pathogenic for Familial thoracic aortic aneurysm and aortic dissection. Last evaluated: 2026-01-20. Review status: criteria provided, single submitter. Criteria: Invitae Variant Classification Sherloc (09022015). Collection method: clinical testing. Allele origin: germline.
Comment: This sequence change affects an acceptor splice site in intron 7 of the TGFBR1 gene. It is expected to disrupt RNA splicing. Variants that disrupt the donor or acceptor splice site typically lead to a loss of protein function (PMID: 16199547), and loss-of-function variants in TGFBR1 are known to be pathogenic (PMID: 21358634). This variant is not present in population databases (gnomAD no frequency). This variant has not been reported in the literature in individuals affected with TGFBR1-related conditions. Algorithms developed to predict the effect of sequence changes on RNA splicing suggest that this variant may disrupt the consensus splice site. In summary, the currently available evidence indicates that the variant is pathogenic, but additional data are needed to prove that conclusively. Therefore, this variant has been classified as Likely Pathogenic.

Dr. Peter K. Rogan Lab, Western University
No classification provided (evidence only). Condition: Squamous cell lung carcinoma. Review status: no classification provided. Collection method: in vitro. Allele origin: not applicable. Functional consequence: retained intron. Not counted in ClinVar's aggregate classification.

Literature cited by the submitters: PubMed 16199547 (cited by Labcorp Genetics (formerly Invitae), Labcorp); PubMed 21358634 (cited by Labcorp Genetics (formerly Invitae), Labcorp).

NM_004612.4(TGFBR1):c.1256-1G>A

Gene: TGFBR1 (transforming growth factor beta receptor 1; plus strand). Cytogenetic location: 9q22.33.
Variant type: single nucleotide variant.
Coding change: c.1256-1G>A on transcript NM_004612.4 (MANE Select); the canonical splice acceptor site of the intron before coding-DNA position 1256, G replaced by A.
Molecular consequence: splice acceptor variant.
Genome position (GRCh38, 1-based): chr9:99,147,653, G>A. VCF-style: chr9-99147653-G-A. GRCh37 (hg19) VCF-style: chr9-101909935-G-A.
Other names: NC_000009.11:g.101909935G>A; c.1061-1G>A (NM_001407418.1, NM_001407419.1, NM_001407422.1 and 1 more transcripts); c.1049-1G>A (NM_001407423.1, NM_001407424.1, NM_001407425.1 and 8 more transcripts); c.1268-1G>A (NM_001306210.2); c.1100-1G>A (NM_001407416.1); c.1088-1G>A (NM_001407417.1); c.1025-1G>A (NM_001407435.1, NM_001130916.3); c.1010-1G>A (NM_001407436.1); and 2 more.
Identifiers: ClinVar variation 4349952 (VCV004349952.2).
Genomic context (GRCh38, chr9:99,147,653, plus strand): 5'-TAATGCCTTGGCATTAGCTGAATAAATTCATCAAAATTTAATTTTTTTTAAACTGATACA[G>A]GAATTCATGAAGATTACCAACTGCCTTATTATGATCTTGTACCTTCTGACCCATCAGTTG-3'